The following is an entry in ClinVar:

ClinVar aggregate classification (germline): Likely benign (1 of 4 stars; one submission).

gnomAD v4.1: 35 of 1,442,740 alleles (0.0024%); highest among the groups gnomAD compares: South Asian, 0.023%; 3 homozygotes.

Submission:

CeGaT Center for Human Genetics Tuebingen
Classification: Likely benign. Last evaluated: 2026-01-01. Review status: criteria provided, single submitter. Criteria: CeGaT Center For Human Genetics Tuebingen Variant Classification Criteria Version 2. Collection method: clinical testing. Allele origin: germline. Affected: yes. Observed: 1 variant allele.
Comment: FLG: BP4, BP7

NM_002016.2(FLG):c.9237G>A (p.Thr3079=)

Genes: CCDST (cervical cancer associated DHX9 suppressive transcript; plus strand), FLG (filaggrin; minus strand). Cytogenetic location: 1q21.3.
Variant type: single nucleotide variant.
Coding change: c.9237G>A on transcript NM_002016.2 (MANE Select); coding-DNA position 9237, G replaced by A.
Protein change: p.Thr3079=; no amino-acid change (threonine 3079 retained).
Molecular consequence: synonymous variant.
Genome position (GRCh38, 1-based): chr1:152,305,649, C>T on the plus strand (G>A on the coding strand, the complement: FLG is on the minus strand). VCF-style: chr1-152305649-C-T. GRCh37 (hg19) VCF-style: chr1-152278125-C-T.
Identifiers: ClinVar variation 4821222 (VCV004821222.4).